The following is an entry in ClinVar:

NM_018149.7(SMG8):c.2931del (p.Met977fs)

Gene: SMG8 (SMG8 nonsense mediated mRNA decay factor; plus strand). Cytogenetic location: 17q22.
Variant type: Deletion.
Coding change: c.2931del on transcript NM_018149.7 (MANE Select); coding-DNA position 2931, one base deleted (G; older notation c.2931delG).
Protein change: p.Met977fs; shifts the reading frame from methionine 977.
Molecular consequence: frameshift variant.
Genome position (GRCh38, 1-based): chr17:59,214,957, G deleted. VCF-style (leftmost placement, unchanged base first): chr17-59214956-TG-T. GRCh37 (hg19) VCF-style: chr17-57292317-TG-T.
Other names: short protein forms M977fs.
Identifiers: ClinVar variation 4085382 (VCV004085382.8).

ClinVar aggregate classification (germline): Uncertain significance (1 of 4 stars; one submission).

Submission:

CeGaT Center for Human Genetics Tuebingen
Classification: Uncertain significance. Last evaluated: 2025-07-01. Review status: criteria provided, single submitter. Criteria: CeGaT Center For Human Genetics Tuebingen Variant Classification Criteria Version 2. Collection method: clinical testing. Allele origin: germline. Affected: yes. Observed: 1 variant allele.
Comment: SMG8: PM2, PVS1:Moderate